The following is an entry in ClinVar:

ClinVar aggregate classification (germline): Uncertain significance (1 of 4 stars; one submission).

Conditions:
Developmental delay with or without dysmorphic facies and autism. Identifiers: MedGen C5193106, MONDO:0032760, OMIM 618454.

Submission:

MGZ Medical Genetics Center
Classification: Uncertain significance for Developmental delay with or without dysmorphic facies and autism. Last evaluated: 2022-08-23. Review status: criteria provided, single submitter. Criteria: ACMG Guidelines, 2015. Collection method: clinical testing. Allele origin: germline. Affected: yes. Observed: 1 variant allele.
Comment: ACMG criteria applied: PS2_MOD, PM2_SUP, PP2

NM_001375524.1(TRRAP):c.5711A>G (p.His1904Arg)

Gene: TRRAP (transformation/transcription domain associated protein; plus strand). Cytogenetic location: 7q22.1.
Variant type: single nucleotide variant.
Coding change: c.5711A>G on transcript NM_001375524.1 (MANE Select); coding-DNA position 5711, A replaced by G.
Protein change: p.His1904Arg; replaces histidine 1904 with arginine.
Molecular consequence: missense variant.
Genome position (GRCh38, 1-based): chr7:98,953,414, A>G. VCF-style: chr7-98953414-A-G. GRCh37 (hg19) VCF-style: chr7-98551037-A-G.
Other names: c.5690A>G, p.His1897Arg (NM_001244580.2); c.5636A>G, p.His1879Arg (NM_003496.4); short protein forms H1879R, H1897R, H1904R.
Identifiers: ClinVar variation 1709735 (VCV001709735.2), dbSNP rs2484868200, ClinGen allele CA368321152.
Genomic context (GRCh38, chr7:98,953,414, plus strand): 5'-CAGCCTGCAAGTACAGCGGACACTTGCTCCTGGCGCACATTATCGCCAAATTCGCCATAC[A>G]CAAGAAGATCGTCCTGCAGGTATTTTGCAAGCCCCTCCTGTCCGCCGACATCAGCGTGAA-3'
Protein context (NP_001362453.1, residues 1894-1914): LAHIIAKFAI[His1904Arg]KKIVLQVFHS